The following is an entry in ClinVar:

NM_002890.3(RASA1):c.2555T>C (p.Leu852Pro)

Genes: CCNH (cyclin H; minus strand), RASA1 (RAS p21 protein activator 1; plus strand). Cytogenetic location: 5q14.3.
Variant type: single nucleotide variant.
Coding change: c.2555T>C on transcript NM_002890.3 (MANE Select); coding-DNA position 2555, T replaced by C.
Protein change: p.Leu852Pro; replaces leucine 852 with proline.
Molecular consequence: missense variant. On other transcripts: intron variant (1).
Genome position (GRCh38, 1-based): chr5:87,379,802, T>C. VCF-style: chr5-87379802-T-C. GRCh37 (hg19) VCF-style: chr5-86675619-T-C.
Other names: c.2024T>C, p.Leu675Pro (NM_022650.3); c.933+15242A>G (NM_001364075.2); short protein forms L675P, L852P.
Identifiers: ClinVar variation 4734176 (VCV004734176.1).

ClinVar aggregate classification (germline): Likely pathogenic (1 of 4 stars; one submission).

Conditions:
Capillary malformation-arteriovenous malformation syndrome. Also called: Capillary malformation-arteriovenous malformation. Identifiers: Orphanet 137667, MedGen C1842180, MONDO:0012016.

Submission:

Labcorp Genetics (formerly Invitae), Labcorp
Classification: Likely pathogenic for Capillary malformation-arteriovenous malformation syndrome. Last evaluated: 2026-01-27. Review status: criteria provided, single submitter. Criteria: Invitae Variant Classification Sherloc (09022015). Collection method: clinical testing. Allele origin: germline.
Comment: This sequence change replaces leucine, which is neutral and non-polar, with proline, which is neutral and non-polar, at codon 852 of the RASA1 protein (p.Leu852Pro). This variant is not present in population databases (gnomAD no frequency). This missense change has been observed in individual(s) with clinical features of capillary malformation-arteriovenous malformations (internal data). In at least one individual the variant was observed to be de novo. An algorithm developed to predict the effect of missense changes on protein structure and function (PolyPhen-2) suggests that this variant is likely to be disruptive. In summary, the currently available evidence indicates that the variant is pathogenic, but additional data are needed to prove that conclusively. Therefore, this variant has been classified as Likely Pathogenic.